The following is an entry in ClinVar:

NM_002557.4(OVGP1):c.1563A>G (p.Glu521=)

Gene: OVGP1 (oviductal glycoprotein 1; minus strand). Cytogenetic location: 1p13.2.
Variant type: single nucleotide variant.
Coding change: c.1563A>G on transcript NM_002557.4 (MANE Select); coding-DNA position 1563, A replaced by G.
Protein change: p.Glu521=; no amino-acid change (glutamic acid 521 retained).
Molecular consequence: synonymous variant.
Genome position (GRCh38, 1-based): chr1:111,414,938, T>C on the plus strand (A>G on the coding strand, the complement: OVGP1 is on the minus strand). VCF-style: chr1-111414938-T-C. GRCh37 (hg19) VCF-style: chr1-111957560-T-C.
Identifiers: ClinVar variation 4533449 (VCV004533449.6).

ClinVar aggregate classification (germline): Likely benign (1 of 4 stars; one submission).

Submission:

CeGaT Center for Human Genetics Tuebingen
Classification: Likely benign. Last evaluated: 2025-10-01. Review status: criteria provided, single submitter. Criteria: CeGaT Center For Human Genetics Tuebingen Variant Classification Criteria Version 2. Collection method: clinical testing. Allele origin: germline. Affected: yes. Observed: 1 variant allele.
Comment: OVGP1: BP4, BP7